The following is an entry in ClinVar:

ClinVar aggregate classification (germline): Uncertain significance. Review status: criteria provided, multiple submitters, no conflicts (2 of 4 stars). 2 submissions from 2 submitters: Uncertain significance (2). Last evaluated 2025-12-17.

Conditions:
Inborn genetic diseases. Identifiers: MedGen C0950123, MeSH D030342.

Allele frequency attached by ClinVar (database versions not stated): gnomAD 0.00007; gnomAD exomes 0.00001.
gnomAD v4.1: 32 of 1,597,928 alleles (0.002%); highest among the groups gnomAD compares: African/African-American, 0.0027%; no homozygotes.

Submissions (2):

Labcorp Genetics (formerly Invitae), Labcorp
Classification: Uncertain significance. Last evaluated: 2025-12-17. Review status: criteria provided, single submitter. Criteria: Invitae Variant Classification Sherloc (09022015). Collection method: clinical testing. Allele origin: germline.
Comment: This sequence change replaces threonine, which is neutral and polar, with methionine, which is neutral and non-polar, at codon 300 of the TCF3 protein (p.Thr300Met). This variant is present in population databases (no rsID available, gnomAD 0.008%). This variant has not been reported in the literature in individuals affected with TCF3-related conditions. ClinVar contains an entry for this variant (Variation ID: 2207243). An algorithm developed to predict the effect of missense changes on protein structure and function (PolyPhen-2) suggests that this variant is likely to be disruptive. In summary, the available evidence is currently insufficient to determine the role of this variant in disease. Therefore, it has been classified as a Variant of Uncertain Significance.

Ambry Genetics
Classification: Uncertain significance for Inborn genetic diseases. Last evaluated: 2022-04-25. Review status: criteria provided, single submitter. Criteria: Ambry Variant Classification Scheme 2023. Collection method: clinical testing. Allele origin: germline.

NM_003200.5(TCF3):c.899C>T (p.Thr300Met)

Gene: TCF3 (transcription factor 3; minus strand). Cytogenetic location: 19p13.3.
Variant type: single nucleotide variant.
Coding change: c.899C>T on transcript NM_003200.5 (MANE Select); coding-DNA position 899, C replaced by T.
Protein change: p.Thr300Met; replaces threonine 300 with methionine.
Molecular consequence: missense variant.
Genome position (GRCh38, 1-based): chr19:1,621,894, G>A on the plus strand (C>T on the coding strand, the complement: TCF3 is on the minus strand). VCF-style: chr19-1621894-G-A. GRCh37 (hg19) VCF-style: chr19-1621893-G-A.
Other names: c.899C>T, p.Thr300Met (NM_001136139.4, NM_001351778.2, NM_001351779.2); short protein forms T300M.
Identifiers: ClinVar variation 2207243 (VCV002207243.5), dbSNP rs371336835, ClinGen allele CA403055027.